The following is an entry in ClinVar:

ClinVar aggregate classification (germline): Conflicting classifications of pathogenicity. Review status: criteria provided, conflicting classifications (1 of 4 stars). 2 submissions from 2 submitters: Uncertain significance (1); Likely benign (1). Last evaluated 2023-03-23.

Conditions:
Hereditary cancer-predisposing syndrome. Also called: Tumor predisposition; Hereditary neoplastic syndrome; Neoplastic Syndromes, Hereditary; Hereditary Cancer Syndrome. Identifiers: Orphanet 140162, MedGen C0027672, MeSH D009386, MONDO:0015356.

Allele frequency attached by ClinVar (database versions not stated): TOPMed below 0.00001; gnomAD 0.00001.
gnomAD v4.1: 1 of 1,613,928 alleles (0.000062%); highest among the groups gnomAD compares: Non-Finnish European, 0.000085%; no homozygotes.

Submissions (2):

University of Washington Department of Laboratory Medicine, University of Washington
Classification: Likely benign for Hereditary cancer-predisposing syndrome. Last evaluated: 2023-03-23. Review status: criteria provided, single submitter. Criteria: Dines et al. (Genet Med. 2020). Collection method: curation. Allele origin: germline.
Comment: Missense variant in a coldspot region where missense variants are very unlikely to be pathogenic (PMID:31911673).

BRCA1 coldspot (exon 11 using historical exon numbering). Reclassification based on statistical prior probability

Ambry Genetics
Classification: Uncertain significance for Hereditary cancer-predisposing syndrome. Last evaluated: 2019-08-28. Review status: criteria provided, single submitter. Criteria: Ambry Variant Classification Scheme 2023. Collection method: clinical testing. Allele origin: germline.
Comment: The p.A439T variant (also known as c.1315G>A), located in coding exon 9 of the BRCA1 gene, results from a G to A substitution at nucleotide position 1315. The alanine at codon 439 is replaced by threonine, an amino acid with similar properties. This amino acid position is poorly conserved in available vertebrate species. In addition, the in silico prediction for this alteration is inconclusive. Since supporting evidence is limited at this time, the clinical significance of this alteration remains unclear.

NM_007294.4(BRCA1):c.1315G>A (p.Ala439Thr)

Gene: BRCA1 (BRCA1 DNA repair associated; minus strand). Cytogenetic location: 17q21.31.
Variant type: single nucleotide variant.
Coding change: c.1315G>A on transcript NM_007294.4 (MANE Select); coding-DNA position 1315, G replaced by A.
Protein change: p.Ala439Thr; replaces alanine 439 with threonine.
Molecular consequence: missense variant. On other transcripts: intron variant (137).
Genome position (GRCh38, 1-based): chr17:43,094,216, C>T on the plus strand (G>A on the coding strand, the complement: BRCA1 is on the minus strand). VCF-style: chr17-43094216-C-T. GRCh37 (hg19) VCF-style: chr17-41246233-C-T.
Other names: c.1105G>A, p.Ala369Thr (NM_001407886.1, NM_001407887.1, NM_001407889.1 and 13 more transcripts); c.784+528G>A (NM_001408398.1, NM_001407992.1, NM_001408397.1 and 13 more transcripts); c.1102G>A, p.Ala368Thr (NM_001407894.1, NM_001407898.1, NM_001407899.1 and 9 more transcripts); c.787+528G>A (NM_001407981.1, NM_007298.4, NM_001407978.1 and 19 more transcripts); c.643+528G>A (NM_001408462.1, NM_001408470.1, NM_001408464.1 and 3 more transcripts); c.709+528G>A (NM_001408414.1, NM_001408411.1, NM_001408412.1 and 2 more transcripts); c.577+528G>A (NM_001408514.1, NM_001408485.1, NM_001408481.1 and 9 more transcripts); c.661+528G>A (NM_001408447.1, NM_001408446.1, NM_001408435.1 and 6 more transcripts); and 40 more; short protein forms A392T, A439T, A271T, A327T, A351T, A368T, A372T, A412T.
Identifiers: ClinVar variation 818886 (VCV000818886.7), dbSNP rs1064794098, ClinGen allele CA10599422.
Genomic context (GRCh38, chr17:43,094,216, plus strand): 5'-TGTCTTCAATATTACTCTCTACTGATTTGGAGTGAACTCTTTCACTTTTACATATTAAAG[C>T]CTCATGAGGATCACTGGCCAGTAAGTCTATTTTCTCTGAAGAACCAGAATATTCATCTAC-3'
Protein context (NP_009225.1, residues 429-449): IDLLASDPHE[Ala439Thr]LICKSERVHS